The following is an entry in ClinVar:

ClinVar aggregate classification (germline): Uncertain significance (1 of 4 stars; one submission).

Conditions:
MED12L-related disorder. Also called: MED12L-related condition.

Allele frequency attached by ClinVar (database versions not stated): gnomAD exomes 0.00001.
gnomAD v4.1: 11 of 1,613,840 alleles (0.00068%); highest among the groups gnomAD compares: East Asian, 0.011%; no homozygotes.

Submission:

PreventionGenetics, part of Exact Sciences
Classification: Uncertain significance for MED12L-related condition. Last evaluated: 2023-01-06. Review status: criteria provided, single submitter. Criteria: ACMG Guidelines, 2015. Collection method: clinical testing. Allele origin: germline.
Comment: The MED12L c.2650G>A variant is predicted to result in the amino acid substitution p.Val884Met. To our knowledge, this variant has not been reported in the literature. This variant is reported in 0.0054% of alleles in individuals of East Asian descent in gnomAD. At this time, the clinical significance of this variant is uncertain due to the absence of conclusive functional and genetic evidence.

NM_001393769.1(MED12L):c.2755G>A (p.Val919Met)

Genes: MED12L (mediator complex subunit 12L; plus strand), P2RY12 (purinergic receptor P2Y12; minus strand). Cytogenetic location: 3q25.1.
Variant type: single nucleotide variant.
Coding change: c.2755G>A on transcript NM_001393769.1 (MANE Select); coding-DNA position 2755, G replaced by A.
Protein change: p.Val919Met; replaces valine 919 with methionine.
Molecular consequence: missense variant. On other transcripts: intron variant (1).
Genome position (GRCh38, 1-based): chr3:151,357,306, G>A. VCF-style: chr3-151357306-G-A. GRCh37 (hg19) VCF-style: chr3-151075094-G-A.
Other names: c.2650G>A, p.Val884Met (NM_053002.6); c.-179-16546C>T (NM_022788.5); short protein forms V884M, V919M.
Identifiers: ClinVar variation 2636805 (VCV002636805.1), dbSNP rs1380964632, ClinGen allele CA354965275.